The following is an entry in ClinVar:

ClinVar aggregate classification (germline): Conflicting classifications of pathogenicity. Review status: criteria provided, conflicting classifications (1 of 4 stars). 4 submissions from 4 submitters: Uncertain significance (1); Benign (1); Likely benign (1). 1 of the submissions does not count toward it. Last evaluated 2026-01-18.

Conditions:
MYO7A-related disorder. Also called: MYO7A-related disorders.

Allele frequency attached by ClinVar (database versions not stated): ESP Exome Variant Server 0.00040; ExAC 0.00063; gnomAD 0.00063 and 0.00073; TOPMed 0.00018; gnomAD exomes 0.00023 and 0.00033.
gnomAD v4.1: 175 of 474,520 alleles (0.037%); highest among the groups gnomAD compares: Middle Eastern, 0.076%; no homozygotes.

Submissions (4):

Labcorp Genetics (formerly Invitae), Labcorp
Classification: Benign. Last evaluated: 2026-01-18. Review status: criteria provided, single submitter. Criteria: Invitae Variant Classification Sherloc (09022015). Collection method: clinical testing. Allele origin: germline.

Blueprint Genetics
Classification: Likely benign. Last evaluated: 2024-09-16. Review status: criteria provided, single submitter. Criteria: ACMG Guidelines, 2015. Collection method: clinical testing. Allele origin: germline.

Eurofins Ntd Llc (ga)
Classification: Uncertain significance. Last evaluated: 2015-12-21. Review status: criteria provided, single submitter. Criteria: EGL Classification Definitions 2015. Collection method: clinical testing. Allele origin: germline. Observed: 1 variant allele, 1 heterozygote.

PreventionGenetics, part of Exact Sciences
Classification: Likely benign for MYO7A-related condition. Last evaluated: 2023-06-20. Review status: no assertion criteria provided. Collection method: clinical testing. Allele origin: germline. Not counted in ClinVar's aggregate classification.
Comment: This variant is classified as likely benign based on ACMG/AMP sequence variant interpretation guidelines (Richards et al. 2015 PMID: 25741868, with internal and published modifications).

NM_000260.4(MYO7A):c.3503+17G>A

Gene: MYO7A (myosin VIIA; plus strand). Cytogenetic location: 11q13.5.
Variant type: single nucleotide variant.
Coding change: c.3503+17G>A on transcript NM_000260.4 (MANE Select); 17 bases into the intron after coding-DNA position 3503, G replaced by A.
Molecular consequence: intron variant.
Genome position (GRCh38, 1-based): chr11:77,184,732, G>A. VCF-style: chr11-77184732-G-A. GRCh37 (hg19) VCF-style: chr11-76895777-G-A.
Other names: c.3503+17G>A (NM_001127180.1, NM_001127180.2); c.3470+17G>A (NM_001369365.1).
Identifiers: ClinVar variation 285110 (VCV000285110.19), dbSNP rs369969967, ClinGen allele CA6198082.